The following is an entry in ClinVar:

ClinVar aggregate classification (germline): Uncertain significance. Review status: criteria provided, multiple submitters, no conflicts (2 of 4 stars). 11 submissions from 11 submitters: Uncertain significance (6). 5 of the submissions do not count toward it. Last evaluated 2026-09-10.

Conditions:
VCL-related disorder. Also called: VCL-related condition.
Cardiovascular phenotype. Identifiers: MedGen CN230736.
Cardiomyopathy (CMYO). Also called: Cardiomyopathies. Identifiers: Orphanet 167848, MedGen C0878544, MONDO:0004994, HP:0001638. Inheritance: Various modes of inheritance.
Dilated cardiomyopathy 1W (CMD1W). Identifiers: Orphanet 154, MedGen C1969639, MONDO:0012667, OMIM 611407.

Allele frequency attached by ClinVar (database versions not stated): ExAC 0.00001; gnomAD exomes 0.00001; gnomAD 0.00005 and 0.00006; TOPMed 0.00012.
gnomAD v4.1: 42 of 1,614,058 alleles (0.0026%); highest among the groups gnomAD compares: Admixed American, 0.013%; no homozygotes.

Submissions (11):

Ambry Genetics
Classification: Uncertain significance for Cardiovascular phenotype. Last evaluated: 2026-09-10. Review status: criteria provided, single submitter. Criteria: Ambry Variant Classification Scheme 2023. Collection method: clinical testing. Allele origin: germline.

PreventionGenetics, part of Exact Sciences
Classification: Uncertain significance for VCL-related condition. Last evaluated: 2026-08-13. Review status: criteria provided, single submitter. Criteria: ACMG Guidelines, 2015. Collection method: clinical testing. Allele origin: germline.
Comment: The VCL c.2467C>T variant is predicted to result in the amino acid substitution p.Arg823Trp. This variant has been reported as a variant of uncertain significance in an individual with unspecified cardiomyopathy (Supplementary File 2, van Lint et al. 2019. PubMed ID: 30847666). This variant is reported in 0.0029% of alleles in individuals of Latino descent in gnomAD. At this time, the clinical significance of this variant is uncertain due to the absence of conclusive functional and genetic evidence.

Labcorp Genetics (formerly Invitae), Labcorp
Classification: Uncertain significance for Dilated cardiomyopathy 1W. Last evaluated: 2025-11-24. Review status: criteria provided, single submitter. Criteria: Invitae Variant Classification Sherloc (09022015). Collection method: clinical testing. Allele origin: germline.
Comment: This sequence change replaces arginine, which is basic and polar, with tryptophan, which is neutral and slightly polar, at codon 823 of the VCL protein (p.Arg823Trp). This variant is present in population databases (rs779047174, gnomAD 0.003%). This missense change has been observed in individual(s) with cardiomyopathy (PMID: 30847666). ClinVar contains an entry for this variant (Variation ID: 202149). An algorithm developed to predict the effect of missense changes on protein structure and function (PolyPhen-2) suggests that this variant is likely to be disruptive. In summary, the available evidence is currently insufficient to determine the role of this variant in disease. Therefore, it has been classified as a Variant of Uncertain Significance.

Women's Health and Genetics/Laboratory Corporation of America, LabCorp
Classification: Uncertain significance. Last evaluated: 2024-10-21. Review status: criteria provided, single submitter. Criteria: LabCorp Variant Classification Summary - May 2015. Collection method: clinical testing. Allele origin: germline.
Comment: Variant summary: VCL c.2467C>T (p.Arg823Trp) results in a non-conservative amino acid change in the encoded protein sequence. Four of five in-silico tools predict a damaging effect of the variant on protein function. The variant allele was found at a frequency of 1.2e-05 in 251458 control chromosomes (gnomAD). The available data on variant occurrences in the general population are insufficient to allow any conclusion about variant significance. c.2467C>T has been reported in the literature in one individual affected with unknown cardiomyopathy (van Lint FHM_2019). These report(s) do not provide unequivocal conclusions about association of the variant with Cardiomyopathy. To our knowledge, no experimental evidence demonstrating an impact on protein function has been reported. The following publication have been ascertained in the context of this evaluation (PMID: 30847666). ClinVar contains an entry for this variant (Variation ID: 202149). Based on the evidence outlined above, the variant was classified as uncertain significance.

CHEO Genetics Diagnostic Laboratory, Children's Hospital of Eastern Ontario
Classification: Uncertain significance for Cardiomyopathy. Last evaluated: 2022-07-04. Review status: criteria provided, single submitter. Criteria: ACMG Guidelines, 2015. Collection method: clinical testing. Allele origin: germline.

Revvity Omics, Revvity
Classification: Uncertain significance. Last evaluated: 2021-05-12. Review status: criteria provided, single submitter. Criteria: ACMG Guidelines, 2015. Collection method: clinical testing. Allele origin: germline.

Clinical Genetics DNA and cytogenetics Diagnostics Lab, Erasmus MC, Erasmus Medical Center
Classification: Uncertain significance. Review status: no assertion criteria provided. Collection method: clinical testing. Allele origin: germline. Affected: yes. Study: VKGL Data-share Consensus. Not counted in ClinVar's aggregate classification.

Clinical Genetics, Academic Medical Center
Classification: Uncertain significance. Review status: no assertion criteria provided. Collection method: clinical testing. Allele origin: germline. Affected: yes. Study: VKGL Data-share Consensus. Not counted in ClinVar's aggregate classification.

Diagnostic Laboratory, Department of Genetics, University Medical Center Groningen
Classification: Uncertain significance. Review status: no assertion criteria provided. Collection method: clinical testing. Allele origin: germline. Affected: yes. Study: VKGL Data-share Consensus. Not counted in ClinVar's aggregate classification.

Genome Diagnostics Laboratory, University Medical Center Utrecht
Classification: Uncertain significance. Review status: no assertion criteria provided. Collection method: clinical testing. Allele origin: germline. Affected: yes. Study: VKGL Data-share Consensus. Not counted in ClinVar's aggregate classification.

Joint Genome Diagnostic Labs from Nijmegen and Maastricht, Radboudumc and MUMC+
Classification: Uncertain significance. Review status: no assertion criteria provided. Collection method: clinical testing. Allele origin: germline. Affected: yes. Study: VKGL Data-share Consensus. Not counted in ClinVar's aggregate classification.

Literature cited by the submitters: PubMed 30847666 (cited by Labcorp Genetics (formerly Invitae), Labcorp and Women's Health and Genetics/Laboratory Corporation of America, LabCorp).

NM_014000.3(VCL):c.2467C>T (p.Arg823Trp)

Gene: VCL (vinculin; plus strand). Cytogenetic location: 10q22.2.
Variant type: single nucleotide variant.
Coding change: c.2467C>T on transcript NM_014000.3 (MANE Select); coding-DNA position 2467, C replaced by T.
Protein change: p.Arg823Trp; replaces arginine 823 with tryptophan.
Molecular consequence: missense variant.
Genome position (GRCh38, 1-based): chr10:74,107,262, C>T. VCF-style: chr10-74107262-C-T. GRCh37 (hg19) VCF-style: chr10-75867020-C-T.
Other names: c.2467C>T, p.Arg823Trp (NM_003373.4); short protein forms R823W.
Identifiers: ClinVar variation 202149 (VCV000202149.25), dbSNP rs779047174, ClinGen allele CA335601.